The following is an entry in ClinVar:

ClinVar aggregate classification (germline): Uncertain significance (1 of 4 stars; one submission).

Conditions:
Inborn genetic diseases. Identifiers: MedGen C0950123, MeSH D030342.

gnomAD v4.1: 3 of 1,483,512 alleles (0.0002%); highest among the groups gnomAD compares: Admixed American, 0.0023%; no homozygotes.

Submission:

Ambry Genetics
Classification: Uncertain significance for Inborn genetic diseases. Last evaluated: 2024-12-21. Review status: criteria provided, single submitter. Criteria: Ambry Variant Classification Scheme 2023. Collection method: clinical testing. Allele origin: germline.
Comment: The p.L201P variant (also known as c.602T>C), located in coding exon 1 of the SH2B3 gene, results from a T to C substitution at nucleotide position 602. The leucine at codon 201 is replaced by proline, an amino acid with similar properties. This amino acid position is conserved. In addition, the in silico prediction for this alteration is inconclusive. Based on the available evidence, the clinical significance of this variant remains unclear.

NM_005475.3(SH2B3):c.602T>C (p.Leu201Pro)

Gene: SH2B3 (SH2B adaptor protein 3; plus strand). Cytogenetic location: 12q24.12.
Variant type: single nucleotide variant.
Coding change: c.602T>C on transcript NM_005475.3 (MANE Select); coding-DNA position 602, T replaced by C.
Protein change: p.Leu201Pro; replaces leucine 201 with proline.
Molecular consequence: missense variant.
Genome position (GRCh38, 1-based): chr12:111,418,747, T>C. VCF-style: chr12-111418747-T-C. GRCh37 (hg19) VCF-style: chr12-111856551-T-C.
Other names: short protein forms L201P.
Identifiers: ClinVar variation 3795024 (VCV003795024.1).
Genomic context (GRCh38, chr12:111,418,747, plus strand): 5'-AGTTCCTGCCCTGGAGCCTGGCCCGGGAGCCGCCACCCGAGGCGCTGAAGGAGGCGGTGC[T>C]GCGCTACAGCCTGGCCGACGAGGCCTCCATGGACAGCGGGGCACGCTGGCAGCGCGGGAG-3'
Protein context (NP_005466.1, residues 191-211): PPPEALKEAV[Leu201Pro]RYSLADEASM